The following is an entry in ClinVar:

ClinVar aggregate classification (germline): Uncertain significance (1 of 4 stars; one submission).

Conditions:
MHC class II deficiency. Also called: BLS, TYPE II; Bare lymphocyte syndrome 2. Identifiers: Orphanet 572, MedGen C5447452, MONDO:0008855.

Allele frequency attached by ClinVar (database versions not stated): gnomAD 0.00005; gnomAD exomes 0.00005 and 0.00006; ExAC 0.00008; TOPMed 0.00011; ESP Exome Variant Server 0.00023.
gnomAD v4.1: 87 of 1,613,616 alleles (0.0054%); highest among the groups gnomAD compares: Middle Eastern, 0.033%; no homozygotes.

Submission:

Labcorp Genetics (formerly Invitae), Labcorp
Classification: Uncertain significance for MHC class II deficiency. Last evaluated: 2022-08-17. Review status: criteria provided, single submitter. Criteria: Invitae Variant Classification Sherloc (09022015). Collection method: clinical testing. Allele origin: germline.
Comment: This sequence change replaces glutamine, which is neutral and polar, with histidine, which is basic and polar, at codon 181 of the RFXAP protein (p.Gln181His). The frequency data for this variant in the population databases is considered unreliable, as metrics indicate poor data quality at this position in the gnomAD database. This variant has not been reported in the literature in individuals affected with RFXAP-related conditions. ClinVar contains an entry for this variant (Variation ID: 1015760). Algorithms developed to predict the effect of missense changes on protein structure and function are either unavailable or do not agree on the potential impact of this missense change (SIFT: "Deleterious"; PolyPhen-2: "Probably Damaging"; Align-GVGD: "Class C15"). In summary, the available evidence is currently insufficient to determine the role of this variant in disease. Therefore, it has been classified as a Variant of Uncertain Significance.

NM_000538.4(RFXAP):c.543G>C (p.Gln181His)

Genes: RFXAP (regulatory factor X associated protein; plus strand), LOC130009575 (ATAC-STARR-seq lymphoblastoid active region 7590; plus strand). Cytogenetic location: 13q13.3.
Variant type: single nucleotide variant.
Coding change: c.543G>C on transcript NM_000538.4 (MANE Select); coding-DNA position 543, G replaced by C.
Protein change: p.Gln181His; replaces glutamine 181 with histidine.
Molecular consequence: missense variant.
Genome position (GRCh38, 1-based): chr13:36,819,900, G>C. VCF-style: chr13-36819900-G-C. GRCh37 (hg19) VCF-style: chr13-37394037-G-C.
Other names: short protein forms Q181H.
Identifiers: ClinVar variation 1015760 (VCV001015760.4), dbSNP rs142778056, ClinGen allele CA6950225.